The following is an entry in ClinVar:

NM_001083614.2(EARS2):c.1195G>A (p.Val399Met)

Gene: EARS2 (glutamyl-tRNA synthetase 2, mitochondrial; minus strand). Cytogenetic location: 16p12.2.
Variant type: single nucleotide variant.
Coding change: c.1195G>A on transcript NM_001083614.2 (MANE Select); coding-DNA position 1195, G replaced by A.
Protein change: p.Val399Met; replaces valine 399 with methionine.
Molecular consequence: missense variant. On other transcripts: non-coding transcript variant (1).
Genome position (GRCh38, 1-based): chr16:23,529,770, C>T on the plus strand (G>A on the coding strand, the complement: EARS2 is on the minus strand). VCF-style: chr16-23529770-C-T. GRCh37 (hg19) VCF-style: chr16-23541091-C-T.
Other names: c.1195G>A, p.Val399Met (NM_001308211.1); short protein forms V399M.
Identifiers: ClinVar variation 1505095 (VCV001505095.8), dbSNP rs1204642111, ClinGen allele CA395129818.

ClinVar aggregate classification (germline): Uncertain significance (1 of 4 stars; one submission).

Allele frequency attached by ClinVar (database versions not stated): gnomAD exomes 0.00001 and 0.00002; TOPMed 0.00006; gnomAD 0.00011 and 0.00012.

Submission:

Labcorp Genetics (formerly Invitae), Labcorp
Classification: Uncertain significance. Last evaluated: 2024-02-23. Review status: criteria provided, single submitter. Criteria: Invitae Variant Classification Sherloc (09022015). Collection method: clinical testing. Allele origin: germline.
Comment: This sequence change replaces valine, which is neutral and non-polar, with methionine, which is neutral and non-polar, at codon 399 of the EARS2 protein (p.Val399Met). This variant is present in population databases (no rsID available, gnomAD 0.01%). This variant has not been reported in the literature in individuals affected with EARS2-related conditions. ClinVar contains an entry for this variant (Variation ID: 1505095). Advanced modeling of protein sequence and biophysical properties (such as structural, functional, and spatial information, amino acid conservation, physicochemical variation, residue mobility, and thermodynamic stability) performed at Invitae indicates that this missense variant is not expected to disrupt EARS2 protein function with a negative predictive value of 80%. In summary, the available evidence is currently insufficient to determine the role of this variant in disease. Therefore, it has been classified as a Variant of Uncertain Significance.